The following is an entry in ClinVar:

NM_018076.5(ODAD2):c.1925A>G (p.Lys642Arg)

Gene: ODAD2 (outer dynein arm docking complex subunit 2; minus strand). Cytogenetic location: 10p12.1.
Variant type: single nucleotide variant.
Coding change: c.1925A>G on transcript NM_018076.5 (MANE Select); coding-DNA position 1925, A replaced by G.
Protein change: p.Lys642Arg; replaces lysine 642 with arginine.
Molecular consequence: missense variant.
Genome position (GRCh38, 1-based): chr10:27,940,624, T>C on the plus strand (A>G on the coding strand, the complement: ODAD2 is on the minus strand). VCF-style: chr10-27940624-T-C. GRCh37 (hg19) VCF-style: chr10-28229553-T-C.
Other names: c.1925A>G, p.Lys642Arg (NM_001290020.2); c.500A>G, p.Lys167Arg (NM_001290021.2); c.1001A>G, p.Lys334Arg (NM_001312689.2); short protein forms K167R, K642R, K334R.
Identifiers: ClinVar variation 643373 (VCV000643373.8), dbSNP rs781094685, ClinGen allele CA5453365.

ClinVar aggregate classification (germline): Uncertain significance. Review status: criteria provided, multiple submitters, no conflicts (2 of 4 stars). 2 submissions from 2 submitters: Uncertain significance (2). Last evaluated 2025-06-06.

Conditions:
Primary ciliary dyskinesia 23 (CILD23). Also called: CILIARY DYSKINESIA, PRIMARY, 23, WITH OR WITHOUT SITUS INVERSUS. Identifiers: Orphanet 244, MedGen C3809548, MONDO:0014193, OMIM 615451.
Primary ciliary dyskinesia. Also called: Ciliary dyskinesia. Identifiers: Orphanet 244, MedGen C0008780, MONDO:0016575, HP:0012265.

Allele frequency attached by ClinVar (database versions not stated): gnomAD 0.00001; gnomAD exomes 0.00001; ExAC 0.00002; TOPMed 0.00002.
gnomAD v4.1: 22 of 1,614,034 alleles (0.0014%); highest among the groups gnomAD compares: Middle Eastern, 0.016%; no homozygotes.

Submissions (2):

Ambry Genetics
Classification: Uncertain significance for Primary ciliary dyskinesia. Last evaluated: 2025-06-06. Review status: criteria provided, single submitter. Criteria: Ambry Variant Classification Scheme 2023. Collection method: clinical testing. Allele origin: germline.

Labcorp Genetics (formerly Invitae), Labcorp
Classification: Uncertain significance for Primary ciliary dyskinesia 23. Last evaluated: 2024-10-14. Review status: criteria provided, single submitter. Criteria: Invitae Variant Classification Sherloc (09022015). Collection method: clinical testing. Allele origin: germline.
Comment: This sequence change replaces lysine, which is basic and polar, with arginine, which is basic and polar, at codon 642 of the ARMC4 protein (p.Lys642Arg). This variant is present in population databases (rs781094685, gnomAD 0.002%). This missense change has been observed in individual(s) with a diagnosis of cystic fibrosis (internal data). ClinVar contains an entry for this variant (Variation ID: 643373). An algorithm developed to predict the effect of missense changes on protein structure and function (PolyPhen-2) suggests that this variant is likely to be disruptive. In summary, the available evidence is currently insufficient to determine the role of this variant in disease. Therefore, it has been classified as a Variant of Uncertain Significance.